The following is an entry in ClinVar:

ClinVar aggregate classification (germline): Uncertain significance (1 of 4 stars; one submission).

Conditions:
Inborn genetic diseases. Identifiers: MedGen C0950123, MeSH D030342.

Submission:

Ambry Genetics
Classification: Uncertain significance for Inborn genetic diseases. Last evaluated: 2026-03-09. Review status: criteria provided, single submitter. Criteria: Ambry Variant Classification Scheme 2023. Collection method: clinical testing. Allele origin: germline.
Comment: The p.S119I variant (also known as c.356G>T), located in coding exon 2 of the GATA2 gene, results from a G to T substitution at nucleotide position 356. The serine at codon 119 is replaced by isoleucine, an amino acid with dissimilar properties. This amino acid position is conserved. In addition, this alteration is predicted to be deleterious by in silico analysis. Based on the available evidence, the clinical significance of this variant remains unclear.

NM_032638.5(GATA2):c.356G>T (p.Ser119Ile)

Gene: GATA2 (GATA binding protein 2; minus strand). Cytogenetic location: 3q21.3.
Variant type: single nucleotide variant.
Coding change: c.356G>T on transcript NM_032638.5 (MANE Select); coding-DNA position 356, G replaced by T.
Protein change: p.Ser119Ile; replaces serine 119 with isoleucine.
Molecular consequence: missense variant.
Genome position (GRCh38, 1-based): chr3:128,486,242, C>A on the plus strand (G>T on the coding strand, the complement: GATA2 is on the minus strand). VCF-style: chr3-128486242-C-A. GRCh37 (hg19) VCF-style: chr3-128205085-C-A.
Other names: c.356G>T, p.Ser119Ile (NM_001145661.2, NM_001145662.1); short protein forms S119I.
Identifiers: ClinVar variation 4826584 (VCV004826584.1).